The following is an entry in ClinVar:

ClinVar aggregate classification (germline): Uncertain significance (1 of 4 stars; one submission).

gnomAD v4.1: 69 of 1,607,808 alleles (0.0043%); highest among the groups gnomAD compares: South Asian, 0.071%; no homozygotes.

Submission:

Labcorp Genetics (formerly Invitae), Labcorp
Classification: Uncertain significance. Last evaluated: 2023-10-13. Review status: criteria provided, single submitter. Criteria: Invitae Variant Classification Sherloc (09022015). Collection method: clinical testing. Allele origin: germline.
Comment: The COL18A1 gene has multiple clinically relevant transcripts. This variant occurs in alternate transcript NM_030582.3, and corresponds to NM_130445.3:c.107-12195G>T in the primary transcript. This sequence change replaces glycine, which is neutral and non-polar, with cysteine, which is neutral and slightly polar, at codon 173 of the COL18A1 protein (p.Gly173Cys). This variant is present in population databases (rs62000960, gnomAD 0.09%). This variant has not been reported in the literature in individuals affected with COL18A1-related conditions. ClinVar contains an entry for this variant (Variation ID: 1448877). Experimental studies and prediction algorithms are not available or were not evaluated, and the functional significance of this variant is currently unknown. Algorithms developed to predict the effect of sequence changes on RNA splicing suggest that this variant is not likely to affect RNA splicing. In summary, the available evidence is currently insufficient to determine the role of this variant in disease. Therefore, it has been classified as a Variant of Uncertain Significance.

NM_001379500.1(COL18A1):c.107-12195G>T

Gene: COL18A1 (collagen type XVIII alpha 1 chain; plus strand). Cytogenetic location: 21q22.3.
Variant type: single nucleotide variant.
Coding change: c.107-12195G>T on transcript NM_001379500.1 (MANE Select); 12195 bases into the intron before coding-DNA position 107, G replaced by T.
Molecular consequence: intron variant. On other transcripts: missense variant (2).
Genome position (GRCh38, 1-based): chr21:45,456,047, G>T. VCF-style: chr21-45456047-G-T. GRCh37 (hg19) VCF-style: chr21-46875961-G-T.
Other names: c.517G>T, p.Gly173Cys (NM_030582.4, NM_130444.3); short protein forms G173C.
Identifiers: ClinVar variation 1448877 (VCV001448877.5), dbSNP rs62000960, ClinGen allele CA10065498.